The following is an entry in ClinVar:

NM_001371904.1(APOA5):c.659G>T (p.Ser220Ile)

Gene: APOA5 (apolipoprotein A5; minus strand). Cytogenetic location: 11q23.3.
Variant type: single nucleotide variant.
Coding change: c.659G>T on transcript NM_001371904.1 (MANE Select); coding-DNA position 659, G replaced by T.
Protein change: p.Ser220Ile; replaces serine 220 with isoleucine.
Molecular consequence: missense variant.
Genome position (GRCh38, 1-based): chr11:116,790,570, C>A on the plus strand (G>T on the coding strand, the complement: APOA5 is on the minus strand). VCF-style: chr11-116790570-C-A. GRCh37 (hg19) VCF-style: chr11-116661286-C-A.
Other names: c.659G>T, p.Ser220Ile (NM_001166598.2, NM_052968.5); short protein forms S220I.
Identifiers: ClinVar variation 1421150 (VCV001421150.6), dbSNP rs1205293123, ClinGen allele CA382737559.

ClinVar aggregate classification (germline): Uncertain significance (1 of 4 stars; one submission).

Submission:

Labcorp Genetics (formerly Invitae), Labcorp
Classification: Uncertain significance. Last evaluated: 2021-09-15. Review status: criteria provided, single submitter. Criteria: Invitae Variant Classification Sherloc (09022015). Collection method: clinical testing. Allele origin: germline.
Comment: In summary, the available evidence is currently insufficient to determine the role of this variant in disease. Therefore, it has been classified as a Variant of Uncertain Significance. Algorithms developed to predict the effect of missense changes on protein structure and function are either unavailable or do not agree on the potential impact of this missense change (SIFT: "Deleterious"; PolyPhen-2: "Probably Damaging"; Align-GVGD: "Class C0"). This variant is not present in population databases (ExAC no frequency). This missense change has been observed in individual(s) with hypertriglyceridemia (PMID: 30420299). This sequence change replaces serine with isoleucine at codon 220 of the APOA5 protein (p.Ser220Ile). The serine residue is highly conserved and there is a large physicochemical difference between serine and isoleucine.

Literature cited by the submitters: PubMed 30420299.